The following is an entry in ClinVar:

NM_015103.3(PLXND1):c.4466T>C (p.Val1489Ala)

Gene: PLXND1 (plexin D1; minus strand). Cytogenetic location: 3q22.1.
Variant type: single nucleotide variant.
Coding change: c.4466T>C on transcript NM_015103.3 (MANE Select); coding-DNA position 4466, T replaced by C.
Protein change: p.Val1489Ala; replaces valine 1489 with alanine.
Molecular consequence: missense variant.
Genome position (GRCh38, 1-based): chr3:129,565,395, A>G on the plus strand (T>C on the coding strand, the complement: PLXND1 is on the minus strand). VCF-style: chr3-129565395-A-G. GRCh37 (hg19) VCF-style: chr3-129284238-A-G.
Other names: short protein forms V1489A.
Identifiers: ClinVar variation 2672958 (VCV002672958.23), dbSNP rs2533125612, ClinGen allele CA354480881.

ClinVar aggregate classification (germline): Uncertain significance (1 of 4 stars; one submission).

Submission:

CeGaT Center for Human Genetics Tuebingen
Classification: Uncertain significance. Last evaluated: 2023-11-01. Review status: criteria provided, single submitter. Criteria: CeGaT Center For Human Genetics Tuebingen Variant Classification Criteria Version 2. Collection method: clinical testing. Allele origin: germline. Affected: yes. Observed: 1 variant allele.
Comment: PLXND1: PM2